The following is an entry in ClinVar:

ClinVar aggregate classification (germline): Conflicting classifications of pathogenicity. Review status: criteria provided, conflicting classifications (1 of 4 stars). 2 submissions from 2 submitters: Uncertain significance (1); Likely benign (1). Last evaluated 2023-03-23.

Conditions:
Hereditary cancer-predisposing syndrome. Also called: Hereditary neoplastic syndrome; Tumor predisposition; Neoplastic Syndromes, Hereditary; Hereditary Cancer Syndrome. Identifiers: Orphanet 140162, MedGen C0027672, MeSH D009386, MONDO:0015356.

Allele frequency attached by ClinVar (database versions not stated): gnomAD 0.00001; gnomAD exomes below 0.00001.
gnomAD v4.1: 2 of 1,607,290 alleles (0.00012%); highest among the groups gnomAD compares: Admixed American, 0.0034%; no homozygotes.

Submissions (2):

University of Washington Department of Laboratory Medicine, University of Washington
Classification: Likely benign for Hereditary cancer-predisposing syndrome. Last evaluated: 2023-03-23. Review status: criteria provided, single submitter. Criteria: Dines et al. (Genet Med. 2020). Collection method: curation. Allele origin: germline.
Comment: Missense variant in a coldspot region where missense variants are very unlikely to be pathogenic (PMID:31911673).

BRCA2 exon 10 coldspot. Reclassification based on statistical prior probability.

GeneDx
Classification: Uncertain significance. Last evaluated: 2015-02-11. Review status: criteria provided, single submitter. Criteria: GeneDx Variant Classification (06012015). Collection method: clinical testing. Allele origin: germline. Affected: yes.
Comment: This variant is denoted BRCA2 c.1302A>C at the cDNA level, p.Lys434Asn (K434N) at the protein level, and results in the change of a Lysine to an Asparagine (AAA>AAC). Using alternate nomenclature, this variant would be defined as BRCA2 1530A>C. This variant has not, to our knowledge, been published in the literature as pathogenic or benign. BRCA2 Lys434Asn was not observed in approximately 6,500 individuals of European and African American ancestry in the NHLBI Exome Sequencing Project, indicating it is not a common benign variant in these populations. Since Lysine and Asparagine differ in some properties, this is considered a semi-conservative amino acid substitution. BRCA2 Lys434Asn occurs at a position that is poorly conserved across species and is not located in a known functional domain. In silico analyses are inconsistent regarding the effect this variant may have on protein structure and function. Based on currently available information, it is unclear whether BRCA2 Lys434Asn is pathogenic or benign. We consider it to be a variant of uncertain significance.

NM_000059.4(BRCA2):c.1302A>C (p.Lys434Asn)

Gene: BRCA2 (BRCA2 DNA repair associated; plus strand). Cytogenetic location: 13q13.1.
Variant type: single nucleotide variant.
Coding change: c.1302A>C on transcript NM_000059.4 (MANE Select); coding-DNA position 1302, A replaced by C.
Protein change: p.Lys434Asn; replaces lysine 434 with asparagine.
Molecular consequence: missense variant.
Genome position (GRCh38, 1-based): chr13:32,332,780, A>C. VCF-style: chr13-32332780-A-C. GRCh37 (hg19) VCF-style: chr13-32906917-A-C.
Other names: short protein forms K434N.
Identifiers: ClinVar variation 418076 (VCV000418076.4), dbSNP rs200552004, ClinGen allele CA16619655.